The following is an entry in ClinVar:

ClinVar aggregate classification (germline): Uncertain significance (1 of 4 stars; one submission).

Conditions:
Hereditary cancer-predisposing syndrome. Also called: Neoplastic Syndromes, Hereditary; Tumor predisposition; Hereditary neoplastic syndrome; Hereditary Cancer Syndrome. Identifiers: Orphanet 140162, MedGen C0027672, MeSH D009386, MONDO:0015356.

Submission:

Labcorp Genetics (formerly Invitae), Labcorp
Classification: Uncertain significance for Hereditary cancer-predisposing syndrome. Last evaluated: 2018-11-14. Review status: criteria provided, single submitter. Criteria: Invitae Variant Classification Sherloc (09022015). Collection method: clinical testing. Allele origin: germline.
Comment: In summary, the available evidence is currently insufficient to determine the role of this variant in disease. Therefore, it has been classified as a Variant of Uncertain Significance. Nucleotide substitutions within the consensus splice site are a relatively common cause of aberrant splicing (PMID: 17576681, 9536098). Algorithms developed to predict the effect of sequence changes on RNA splicing suggest that this variant is not likely to affect RNA splicing, but this prediction has not been confirmed by published transcriptional studies. This variant has not been reported in the literature in individuals with RAD50-related disease. This variant is not present in population databases (ExAC no frequency). This sequence change falls in intron 15 of the RAD50 gene. It does not directly change the encoded amino acid sequence of the RAD50 protein, but it affects a nucleotide within the consensus splice site of the intron.

Literature cited by the submitters: PubMed 17576681; PubMed 9536098.

NM_005732.4(RAD50):c.2525-3T>C

Gene: RAD50 (RAD50 double strand break repair protein; plus strand). Cytogenetic location: 5q31.1.
Variant type: single nucleotide variant.
Coding change: c.2525-3T>C on transcript NM_005732.4 (MANE Select); 3 bases into the intron before coding-DNA position 2525, T replaced by C.
Molecular consequence: intron variant.
Genome position (GRCh38, 1-based): chr5:132,604,803, T>C. VCF-style: chr5-132604803-T-C. GRCh37 (hg19) VCF-style: chr5-131940495-T-C.
Identifiers: ClinVar variation 644320 (VCV000644320.9), dbSNP rs1581001984, ClinGen allele CA915942546.